The following is an entry in ClinVar:

ClinVar aggregate classification (germline): Uncertain significance. Review status: criteria provided, multiple submitters, no conflicts (2 of 4 stars). 3 submissions from 3 submitters: Uncertain significance (3). Last evaluated 2025-10-21.

Conditions:
DNAH1-related disorder. Also called: DNAH1-related condition.
Spermatogenic failure 18. Identifiers: MedGen C4539783, MONDO:0054615, OMIM 617576.
Ciliary dyskinesia, primary, 37 (CILD37). Also called: CILIARY DYSKINESIA, PRIMARY, 37, WITH OR WITHOUT SITUS INVERSUS. Identifiers: MedGen C4539798, MONDO:0033204, OMIM 617577.

Allele frequency attached by ClinVar (database versions not stated): gnomAD 0.00002 and 0.00003; gnomAD exomes 0.00002 and 0.00005; ExAC 0.00004; TOPMed 0.00005.
gnomAD v4.1: 29 of 1,611,666 alleles (0.0018%); highest among the groups gnomAD compares: South Asian, 0.011%; no homozygotes.

Submissions (3):

PreventionGenetics, part of Exact Sciences
Classification: Uncertain significance for DNAH1-related condition. Last evaluated: 2025-10-21. Review status: criteria provided, single submitter. Criteria: ACMG Guidelines, 2015. Collection method: clinical testing. Allele origin: germline.
Comment: The DNAH1 c.6829C>T variant is predicted to result in the amino acid substitution p.Arg2277Trp. To our knowledge, this variant has not been reported in the literature. This variant is reported in 0.026% of alleles in individuals of East Asian descent in gnomAD. At this time, the clinical significance of this variant is uncertain due to the absence of conclusive functional and genetic evidence.

Blueprint Genetics
Classification: Uncertain significance. Last evaluated: 2022-10-26. Review status: criteria provided, single submitter. Criteria: ACMG Guidelines, 2015. Collection method: clinical testing. Allele origin: germline.

Labcorp Genetics (formerly Invitae), Labcorp
Classification: Uncertain significance for Ciliary dyskinesia, primary, 37; Spermatogenic failure 18. Last evaluated: 2021-08-31. Review status: criteria provided, single submitter. Criteria: Invitae Variant Classification Sherloc (09022015). Collection method: clinical testing. Allele origin: germline.
Comment: This sequence change replaces arginine with tryptophan at codon 2277 of the DNAH1 protein (p.Arg2277Trp). The arginine residue is weakly conserved and there is a moderate physicochemical difference between arginine and tryptophan. This variant is present in population databases (rs749114791, ExAC 0.02%). This variant has not been reported in the literature in individuals affected with DNAH1-related conditions. Algorithms developed to predict the effect of missense changes on protein structure and function are either unavailable or do not agree on the potential impact of this missense change (SIFT: "Deleterious"; PolyPhen-2: "Possibly Damaging"; Align-GVGD: "Class C0"). Algorithms developed to predict the effect of sequence changes on RNA splicing suggest that this variant may create or strengthen a splice site. In summary, the available evidence is currently insufficient to determine the role of this variant in disease. Therefore, it has been classified as a Variant of Uncertain Significance.

NM_015512.5(DNAH1):c.6829C>T (p.Arg2277Trp)

Gene: DNAH1 (dynein axonemal heavy chain 1; plus strand). Cytogenetic location: 3p21.1.
Variant type: single nucleotide variant.
Coding change: c.6829C>T on transcript NM_015512.5 (MANE Select); coding-DNA position 6829, C replaced by T.
Protein change: p.Arg2277Trp; replaces arginine 2277 with tryptophan.
Molecular consequence: missense variant.
Genome position (GRCh38, 1-based): chr3:52,372,897, C>T. VCF-style: chr3-52372897-C-T. GRCh37 (hg19) VCF-style: chr3-52406913-C-T.
Other names: short protein forms R2277W.
Identifiers: ClinVar variation 544597 (VCV000544597.5), dbSNP rs749114791, ClinGen allele CA2434662.